The following is an entry in ClinVar:

NM_001376.5(DYNC1H1):c.10757A>G (p.Tyr3586Cys)

Gene: DYNC1H1 (dynein cytoplasmic 1 heavy chain 1; plus strand). Cytogenetic location: 14q32.31.
Variant type: single nucleotide variant.
Coding change: c.10757A>G on transcript NM_001376.5 (MANE Select); coding-DNA position 10757, A replaced by G.
Protein change: p.Tyr3586Cys; replaces tyrosine 3586 with cysteine.
Molecular consequence: missense variant.
Genome position (GRCh38, 1-based): chr14:102,036,491, A>G. VCF-style: chr14-102036491-A-G. GRCh37 (hg19) VCF-style: chr14-102502828-A-G.
Other names: short protein forms Y3586C.
Identifiers: ClinVar variation 2413094 (VCV002413094.3), dbSNP rs2503835104, ClinGen allele CA391029480.

ClinVar aggregate classification (germline): Uncertain significance (1 of 4 stars; one submission).

Submission:

GeneDx
Classification: Uncertain significance. Last evaluated: 2022-07-27. Review status: criteria provided, single submitter. Criteria: GeneDx Variant Classification Process June 2021. Collection method: clinical testing. Allele origin: germline. Affected: yes.
Comment: Not observed at significant frequency in large population cohorts (gnomAD); In silico analysis supports that this missense variant has a deleterious effect on protein structure/function; Has not been previously published as pathogenic or benign to our knowledge; This variant is associated with the following publications: (PMID: 26100331, 25609763, 25512093)